The following is an entry in ClinVar:

NM_004519.4(KCNQ3):c.170T>C (p.Leu57Pro)

Gene: KCNQ3 (potassium voltage-gated channel subfamily Q member 3; minus strand). Cytogenetic location: 8q24.22.
Variant type: single nucleotide variant.
Coding change: c.170T>C on transcript NM_004519.4 (MANE Select); coding-DNA position 170, T replaced by C.
Protein change: p.Leu57Pro; replaces leucine 57 with proline.
Molecular consequence: missense variant.
Genome position (GRCh38, 1-based): chr8:132,480,363, A>G on the plus strand (T>C on the coding strand, the complement: KCNQ3 is on the minus strand). VCF-style: chr8-132480363-A-G. GRCh37 (hg19) VCF-style: chr8-133492610-A-G.
Other names: short protein forms L57P.
Identifiers: ClinVar variation 361881 (VCV000361881.14), dbSNP rs886062692, ClinGen allele CA10624807.

ClinVar aggregate classification (germline): Uncertain significance (1 of 4 stars; one submission).

Conditions:
Benign neonatal seizures. Also called: Convulsions benign familial neonatal dominant form; Autosomal dominant form of benign neonatal seizures; Benign familial neonatal epilepsy; Benign familial neonatal seizures; Benign neonatal familial convulsions. Identifiers: Orphanet 1949, MedGen C0220669, MONDO:0016027.

Allele frequency attached by ClinVar (database versions not stated): gnomAD exomes below 0.00001.
gnomAD v4.1: 5 of 1,587,662 alleles (0.00031%); highest among the groups gnomAD compares: Middle Eastern, 0.018%; no homozygotes.

Submission:

Labcorp Genetics (formerly Invitae), Labcorp
Classification: Uncertain significance for Benign neonatal seizures. Last evaluated: 2019-04-11. Review status: criteria provided, single submitter. Criteria: Invitae Variant Classification Sherloc (09022015). Collection method: clinical testing. Allele origin: germline.
Comment: This sequence change replaces leucine with proline at codon 57 of the KCNQ3 protein (p.Leu57Pro). The leucine residue is weakly conserved and there is a moderate physicochemical difference between leucine and proline. This variant is not present in population databases (ExAC no frequency). This variant has not been reported in the literature in individuals with KCNQ3-related conditions. ClinVar contains an entry for this variant (Variation ID: 361881). Algorithms developed to predict the effect of missense changes on protein structure and function (SIFT, PolyPhen-2, Align-GVGD) all suggest that this variant is likely to be tolerated, but these predictions have not been confirmed by published functional studies and their clinical significance is uncertain. In summary, the available evidence is currently insufficient to determine the role of this variant in disease. Therefore, it has been classified as a Variant of Uncertain Significance.